The following is an entry in ClinVar:

NM_014679.5(CEP57):c.974G>A (p.Arg325Gln)

Gene: CEP57 (centrosomal protein 57; plus strand). Cytogenetic location: 11q21.
Variant type: single nucleotide variant.
Coding change: c.974G>A on transcript NM_014679.5 (MANE Select); coding-DNA position 974, G replaced by A.
Protein change: p.Arg325Gln; replaces arginine 325 with glutamine.
Molecular consequence: missense variant.
Genome position (GRCh38, 1-based): chr11:95,827,874, G>A. VCF-style: chr11-95827874-G-A. GRCh37 (hg19) VCF-style: chr11-95561038-G-A.
Other names: c.974G>A (NM_014679.4); c.947G>A, p.Arg316Gln (NM_001243776.2); c.896G>A, p.Arg299Gln (NM_001243777.2); c.893G>A, p.Arg298Gln (NM_001363604.2); short protein forms R316Q, R298Q, R299Q, R325Q.
Identifiers: ClinVar variation 1381779 (VCV001381779.7), dbSNP rs1047306549, ClinGen allele CA226586265.

ClinVar aggregate classification (germline): Uncertain significance. Review status: criteria provided, multiple submitters, no conflicts (2 of 4 stars). 2 submissions from 2 submitters: Uncertain significance (2). Last evaluated 2024-12-19.

Conditions:
Inborn genetic diseases. Identifiers: MedGen C0950123, MeSH D030342.
Mosaic variegated aneuploidy syndrome 2 (MVA2). Identifiers: Orphanet 1052, MedGen C3279843, MONDO:0013582, OMIM 614114.

Allele frequency attached by ClinVar (database versions not stated): gnomAD exomes 0.00001.
gnomAD v4.1: 13 of 1,614,038 alleles (0.00081%); highest among the groups gnomAD compares: East Asian, 0.0022%; no homozygotes.

Submissions (2):

Ambry Genetics
Classification: Uncertain significance for Inborn genetic diseases. Last evaluated: 2024-12-19. Review status: criteria provided, single submitter. Criteria: Ambry Variant Classification Scheme 2023. Collection method: clinical testing. Allele origin: germline.
Comment: The p.R325Q variant (also known as c.974G>A), located in coding exon 9 of the CEP57 gene, results from a G to A substitution at nucleotide position 974. The arginine at codon 325 is replaced by glutamine, an amino acid with highly similar properties. This amino acid position is conserved. In addition, the in silico prediction for this alteration is inconclusive. Based on the available evidence, the clinical significance of this variant remains unclear.

Labcorp Genetics (formerly Invitae), Labcorp
Classification: Uncertain significance for Mosaic variegated aneuploidy syndrome 2. Last evaluated: 2023-01-17. Review status: criteria provided, single submitter. Criteria: Invitae Variant Classification Sherloc (09022015). Collection method: clinical testing. Allele origin: germline.
Comment: In summary, the available evidence is currently insufficient to determine the role of this variant in disease. Therefore, it has been classified as a Variant of Uncertain Significance. Advanced modeling of protein sequence and biophysical properties (such as structural, functional, and spatial information, amino acid conservation, physicochemical variation, residue mobility, and thermodynamic stability) performed at Invitae indicates that this missense variant is not expected to disrupt CEP57 protein function. ClinVar contains an entry for this variant (Variation ID: 1381779). This variant has not been reported in the literature in individuals affected with CEP57-related conditions. This variant is not present in population databases (gnomAD no frequency). This sequence change replaces arginine, which is basic and polar, with glutamine, which is neutral and polar, at codon 325 of the CEP57 protein (p.Arg325Gln).